The following is an entry in ClinVar:

ClinVar aggregate classification (germline): Uncertain significance. Review status: criteria provided, single submitter (1 of 4 stars). 2 submissions from 2 submitters: Uncertain significance (1). 1 of the submissions does not count toward it. Last evaluated 2023-10-01.

Conditions:
TTC8-related disorder. Also called: TTC8-related condition.
Retinal dystrophy. Also called: Inherited retinal dystrophy. Identifiers: Orphanet 71862, MedGen C0854723, MeSH D058499, MONDO:0019118, HP:0000556.

Allele frequency attached by ClinVar (database versions not stated): gnomAD 0.00001.
gnomAD v4.1: 24 of 1,613,046 alleles (0.0015%); highest among the groups gnomAD compares: East Asian, 0.027%; no homozygotes.

Submissions (2):

Dept Of Ophthalmology, Nagoya University
Classification: Uncertain significance for Retinal dystrophy. Last evaluated: 2023-10-01. Review status: criteria provided, single submitter. Criteria: Submitter's publication. Collection method: research. Allele origin: germline. Affected: yes.

PreventionGenetics, part of Exact Sciences
Classification: Likely benign for TTC8-related condition. Last evaluated: 2021-08-02. Review status: no assertion criteria provided. Collection method: clinical testing. Allele origin: germline. Not counted in ClinVar's aggregate classification.
Comment: This variant is classified as likely benign based on ACMG/AMP sequence variant interpretation guidelines (Richards et al. 2015 PMID: 25741868, with internal and published modifications).

NM_144596.4(TTC8):c.102C>T (p.Ser34=)

Gene: TTC8 (tetratricopeptide repeat domain 8; plus strand). Cytogenetic location: 14q31.3.
Variant type: single nucleotide variant.
Coding change: c.102C>T on transcript NM_144596.4 (MANE Select); coding-DNA position 102, C replaced by T.
Protein change: p.Ser34=; no amino-acid change (serine 34 retained).
Molecular consequence: synonymous variant. On other transcripts: 5 prime UTR variant (2), non-coding transcript variant (1).
Genome position (GRCh38, 1-based): chr14:88,824,809, C>T. VCF-style: chr14-88824809-C-T. GRCh37 (hg19) VCF-style: chr14-89291153-C-T.
Other names: c.102C>T, p.Ser34= (NM_001288781.1, NM_001366535.2, NM_001366536.2 and 2 more transcripts); c.-461C>T (NM_001288782.1); c.-556C>T (NM_001288783.1); c.102C>T (NM_144596.3).
Identifiers: ClinVar variation 3028296 (VCV003028296.3), dbSNP rs764582038, ClinGen allele CA7302321.